The following is an entry in ClinVar:

ClinVar aggregate classification (germline): Uncertain significance (1 of 4 stars; one submission).

Conditions:
Familial Mediterranean fever (FMF). Also called: POLYSEROSITIS, FAMILIAL PAROXYSMAL; POLYSEROSITIS, RECURRENT; Periodic peritonitis; Benign paroxysmal peritonitis. Identifiers: Orphanet 342, MedGen C0031069, MONDO:0018088, OMIM 249100. Disease mechanism: gain of function.

Allele frequency attached by ClinVar (database versions not stated): gnomAD exomes 0.00001; TOPMed below 0.00001; ExAC 0.00001.
gnomAD v4.1: 7 of 1,614,164 alleles (0.00043%); highest among the groups gnomAD compares: Admixed American, 0.012%; no homozygotes.

Submission:

Labcorp Genetics (formerly Invitae), Labcorp
Classification: Uncertain significance for Familial Mediterranean fever. Last evaluated: 2021-12-21. Review status: criteria provided, single submitter. Criteria: Invitae Variant Classification Sherloc (09022015). Collection method: clinical testing. Allele origin: germline.
Comment: In summary, the available evidence is currently insufficient to determine the role of this variant in disease. Therefore, it has been classified as a Variant of Uncertain Significance. Algorithms developed to predict the effect of missense changes on protein structure and function are either unavailable or do not agree on the potential impact of this missense change (SIFT: "Tolerated"; PolyPhen-2: "Probably Damaging"; Align-GVGD: "Class C0"). This variant has not been reported in the literature in individuals affected with MEFV-related conditions. This variant is present in population databases (rs770397296, gnomAD 0.01%). This sequence change replaces lysine, which is basic and polar, with threonine, which is neutral and polar, at codon 459 of the MEFV protein (p.Lys459Thr).

NM_000243.3(MEFV):c.1376A>C (p.Lys459Thr)

Gene: MEFV (MEFV innate immunity regulator, pyrin; minus strand). Cytogenetic location: 16p13.3.
Variant type: single nucleotide variant.
Coding change: c.1376A>C on transcript NM_000243.3 (MANE Select); coding-DNA position 1376, A replaced by C.
Protein change: p.Lys459Thr; replaces lysine 459 with threonine.
Molecular consequence: missense variant.
Genome position (GRCh38, 1-based): chr16:3,247,227, T>G on the plus strand (A>C on the coding strand, the complement: MEFV is on the minus strand). VCF-style: chr16-3247227-T-G. GRCh37 (hg19) VCF-style: chr16-3297227-T-G.
Other names: c.743A>C, p.Lys248Thr (NM_001198536.2); short protein forms K248T, K459T.
Identifiers: ClinVar variation 2179409 (VCV002179409.2), dbSNP rs770397296, ClinGen allele CA7860142.